The following is an entry in ClinVar:

ClinVar aggregate classification (germline): Uncertain significance. Review status: criteria provided, multiple submitters, no conflicts (2 of 4 stars). 2 submissions from 2 submitters: Uncertain significance (2). Last evaluated 2024-06-16.

Conditions:
Inborn genetic diseases. Identifiers: MedGen C0950123, MeSH D030342.
Congenital disorder of glycosylation type 1E (CDG1E). Also called: CDG Ie; CONGENITAL DISORDER OF GLYCOSYLATION, TYPE Ie. Identifiers: Orphanet 79322, MedGen C1837396, MONDO:0012123, OMIM 608799.

Allele frequency attached by ClinVar (database versions not stated): gnomAD exomes below 0.00001 and 0.00001; ExAC 0.00001.
gnomAD v4.1: 9 of 1,610,702 alleles (0.00056%); highest among the groups gnomAD compares: Non-Finnish European, 0.00068%; no homozygotes.

Submissions (2):

Ambry Genetics
Classification: Uncertain significance for Inborn genetic diseases. Last evaluated: 2024-06-16. Review status: criteria provided, single submitter. Criteria: Ambry Variant Classification Scheme 2023. Collection method: clinical testing. Allele origin: germline.

Labcorp Genetics (formerly Invitae), Labcorp
Classification: Uncertain significance for Congenital disorder of glycosylation type 1E. Last evaluated: 2023-05-15. Review status: criteria provided, single submitter. Criteria: Invitae Variant Classification Sherloc (09022015). Collection method: clinical testing. Allele origin: germline.
Comment: An algorithm developed to predict the effect of missense changes on protein structure and function (PolyPhen-2) suggests that this variant¬† is likely to be tolerated. ClinVar contains an entry for this variant (Variation ID: 1433475). This variant has not been reported in the literature in individuals affected with DPM1-related conditions. This variant is present in population databases (rs775589720, gnomAD no frequency). This sequence change replaces tyrosine, which is neutral and polar, with histidine, which is basic and polar, at codon 236 of the DPM1 protein (p.Tyr236His). In summary, the available evidence is currently insufficient to determine the role of this variant in disease. Therefore, it has been classified as a Variant of Uncertain Significance.

NM_003859.3(DPM1):c.706T>C (p.Tyr236His)

Genes: ADNP-AS1 (ADNP antisense RNA 1; plus strand), DPM1 (dolichyl-phosphate mannosyltransferase subunit 1, catalytic; minus strand). Cytogenetic location: 20q13.13.
Variant type: single nucleotide variant.
Coding change: c.706T>C on transcript NM_003859.3 (MANE Select); coding-DNA position 706, T replaced by C.
Protein change: p.Tyr236His; replaces tyrosine 236 with histidine.
Molecular consequence: missense variant. On other transcripts: non-coding transcript variant (1).
Genome position (GRCh38, 1-based): chr20:50,935,209, A>G on the plus strand (T>C on the coding strand, the complement: DPM1 is on the minus strand). VCF-style: chr20-50935209-A-G. GRCh37 (hg19) VCF-style: chr20-49551746-A-G.
Other names: c.811T>C, p.Tyr271His (NM_001317034.1); c.787T>C, p.Tyr263His (NM_001317035.1); c.637T>C, p.Tyr213His (NM_001317036.1); c.706T>C (NM_003859.1); short protein forms Y213H, Y236H, Y263H, Y271H.
Identifiers: ClinVar variation 1433475 (VCV001433475.5), dbSNP rs775589720, ClinGen allele CA9908995.